The following is an entry in ClinVar:

NM_004525.3(LRP2):c.12286A>G (p.Ile4096Val)

Gene: LRP2 (LDL receptor related protein 2; minus strand). Cytogenetic location: 2q31.1.
Variant type: single nucleotide variant.
Coding change: c.12286A>G on transcript NM_004525.3 (MANE Select); coding-DNA position 12286, A replaced by G.
Protein change: p.Ile4096Val; replaces isoleucine 4096 with valine.
Molecular consequence: missense variant.
Genome position (GRCh38, 1-based): chr2:169,154,469, T>C on the plus strand (A>G on the coding strand, the complement: LRP2 is on the minus strand). VCF-style: chr2-169154469-T-C. GRCh37 (hg19) VCF-style: chr2-170010979-T-C.
Other names: short protein forms I4096V.
Identifiers: ClinVar variation 1898010 (VCV001898010.2), dbSNP rs777671589, ClinGen allele CA1952852.

ClinVar aggregate classification (germline): Uncertain significance (1 of 4 stars; one submission).

Allele frequency attached by ClinVar (database versions not stated): gnomAD exomes 0.00001; ExAC 0.00002.
gnomAD v4.1: 7 of 1,612,416 alleles (0.00043%); highest among the groups gnomAD compares: Admixed American, 0.0083%; no homozygotes.

Submission:

Labcorp Genetics (formerly Invitae), Labcorp
Classification: Uncertain significance. Last evaluated: 2022-08-07. Review status: criteria provided, single submitter. Criteria: Invitae Variant Classification Sherloc (09022015). Collection method: clinical testing. Allele origin: germline.
Comment: This sequence change replaces isoleucine, which is neutral and non-polar, with valine, which is neutral and non-polar, at codon 4096 of the LRP2 protein (p.Ile4096Val). This variant is present in population databases (rs777671589, gnomAD 0.01%). This variant has not been reported in the literature in individuals affected with LRP2-related conditions. Advanced modeling of protein sequence and biophysical properties (such as structural, functional, and spatial information, amino acid conservation, physicochemical variation, residue mobility, and thermodynamic stability) performed at Invitae indicates that this missense variant is not expected to disrupt LRP2 protein function. In summary, the available evidence is currently insufficient to determine the role of this variant in disease. Therefore, it has been classified as a Variant of Uncertain Significance.